The following is an entry in ClinVar:

NM_006648.4(WNK2):c.4718G>C (p.Gly1573Ala)

Gene: WNK2 (WNK lysine deficient protein kinase 2; plus strand). Cytogenetic location: 9q22.31.
Variant type: single nucleotide variant.
Coding change: c.4718G>C on transcript NM_006648.4 (MANE Select); coding-DNA position 4718, G replaced by C.
Protein change: p.Gly1573Ala; replaces glycine 1573 with alanine.
Molecular consequence: missense variant.
Genome position (GRCh38, 1-based): chr9:93,289,472, G>C. VCF-style: chr9-93289472-G-C. GRCh37 (hg19) VCF-style: chr9-96051754-G-C.
Other names: c.4829G>C, p.Gly1610Ala (NM_001282394.3); short protein forms G1573A, G1610A.
Identifiers: ClinVar variation 3816789 (VCV003816789.1).

ClinVar aggregate classification (germline): Uncertain significance (1 of 4 stars; one submission).

Submission:

Ambry Genetics
Classification: Uncertain significance. Last evaluated: 2025-01-09. Review status: criteria provided, single submitter. Criteria: Ambry Variant Classification Scheme 2023. Collection method: clinical testing. Allele origin: germline.
Comment: The p.G1573A variant (also known as c.4718G>C), located in coding exon 19 of the WNK2 gene, results from a G to C substitution at nucleotide position 4718. The glycine at codon 1573 is replaced by alanine, an amino acid with similar properties. This amino acid position is conserved. In addition, this alteration is predicted to be tolerated by in silico analysis. Based on the available evidence, the clinical significance of this variant remains unclear.